The following is an entry in ClinVar:

ClinVar aggregate classification (germline): Uncertain significance (1 of 4 stars; one submission).

Conditions:
Early-onset Parkinson disease 20. Also called: PARKINSON DISEASE 20, AUTOSOMAL RECESSIVE EARLY-ONSET. Identifiers: Orphanet 391411, MedGen C3809824, MONDO:0014233, OMIM 615530.
Developmental and epileptic encephalopathy, 53. Also called: Epileptic encephalopathy, early infantile, 53. Identifiers: MedGen C4479313, MONDO:0033362, OMIM 617389.

Submission:

Labcorp Genetics (formerly Invitae), Labcorp
Classification: Uncertain significance for Developmental and epileptic encephalopathy, 53; Early-onset Parkinson disease 20. Last evaluated: 2024-10-23. Review status: criteria provided, single submitter. Criteria: Invitae Variant Classification Sherloc (09022015). Collection method: clinical testing. Allele origin: germline.
Comment: This sequence change replaces arginine, which is basic and polar, with threonine, which is neutral and polar, at codon 1612 of the SYNJ1 protein (p.Arg1612Thr). This variant is present in population databases (rs772562248, gnomAD 0.009%). This variant has not been reported in the literature in individuals affected with SYNJ1-related conditions. ClinVar contains an entry for this variant (Variation ID: 964521). An algorithm developed to predict the effect of missense changes on protein structure and function (PolyPhen-2) suggests that this variant is likely to be disruptive. In summary, the available evidence is currently insufficient to determine the role of this variant in disease. Therefore, it has been classified as a Variant of Uncertain Significance.

NM_203446.3(SYNJ1):c.*806G>C

Gene: SYNJ1 (synaptojanin 1; minus strand). Cytogenetic location: 21q22.11.
Variant type: single nucleotide variant.
Coding change: c.*806G>C on transcript NM_203446.3 (MANE Select); 806 bases downstream of the stop codon, G replaced by C.
Molecular consequence: 3 prime UTR variant. On other transcripts: missense variant (2).
Genome position (GRCh38, 1-based): chr21:32,630,999, C>G on the plus strand (G>C on the coding strand, the complement: SYNJ1 is on the minus strand). VCF-style: chr21-32630999-C-G. GRCh37 (hg19) VCF-style: chr21-34003309-C-G.
Other names: c.*806G>C (NM_001160302.2); c.4577G>C, p.Arg1526Thr (NM_001160306.2); c.4835G>C, p.Arg1612Thr (NM_003895.4); short protein forms R1612T, R1526T.
Identifiers: ClinVar variation 964521 (VCV000964521.9), dbSNP rs772562248, ClinGen allele CA10003034.